The following is an entry in ClinVar:

ClinVar aggregate classification (germline): Likely benign (0 of 4 stars; one submission).

Conditions:
PRRX1-related disorder. Also called: PRRX1-related condition.

Allele frequency attached by ClinVar (database versions not stated): TOPMed 0.00003; ExAC 0.00004; gnomAD 0.00005; ESP Exome Variant Server 0.00008; 1000 Genomes Project 30x 0.00016; 1000 Genomes Project 0.00020.
gnomAD v4.1: 67 of 1,612,412 alleles (0.0042%); highest among the groups gnomAD compares: Middle Eastern, 0.033%; no homozygotes.

Submission:

PreventionGenetics, part of Exact Sciences
Classification: Likely benign for PRRX1-related condition. Last evaluated: 2023-01-19. Review status: no assertion criteria provided. Collection method: clinical testing. Allele origin: germline.
Comment: This variant is classified as likely benign based on ACMG/AMP sequence variant interpretation guidelines (Richards et al. 2015 PMID: 25741868, with internal and published modifications).

NM_022716.4(PRRX1):c.599+3906C>T

Gene: PRRX1 (paired related homeobox 1; plus strand). Cytogenetic location: 1q24.2.
Variant type: single nucleotide variant.
Coding change: c.599+3906C>T on transcript NM_022716.4 (MANE Select); 3906 bases into the intron after coding-DNA position 599, C replaced by T.
Molecular consequence: intron variant. On other transcripts: synonymous variant (1).
Genome position (GRCh38, 1-based): chr1:170,730,307, C>T. VCF-style: chr1-170730307-C-T. GRCh37 (hg19) VCF-style: chr1-170699448-C-T.
Other names: c.630C>T, p.His210= (NM_006902.5).
Identifiers: ClinVar variation 3054837 (VCV003054837.2), dbSNP rs148572157, ClinGen allele CA1239581.